The following is an entry in ClinVar:

ClinVar aggregate classification (germline): Uncertain significance (1 of 4 stars; one submission).

Conditions:
Immunodeficiency, common variable, 7. Identifiers: Orphanet 1572, Orphanet 696894, MedGen C3542922, MONDO:0013862, OMIM 614699.

Allele frequency attached by ClinVar (database versions not stated): ExAC 0.00001; gnomAD exomes 0.00001.

Submission:

Labcorp Genetics (formerly Invitae), Labcorp
Classification: Uncertain significance for Immunodeficiency, common variable, 7. Last evaluated: 2021-03-01. Review status: criteria provided, single submitter. Criteria: Invitae Variant Classification Sherloc (09022015). Collection method: clinical testing. Allele origin: germline.
Comment: In summary, the available evidence is currently insufficient to determine the role of this variant in disease. Therefore, it has been classified as a Variant of Uncertain Significance. Algorithms developed to predict the effect of missense changes on protein structure and function are either unavailable or do not agree on the potential impact of this missense change (SIFT: "Deleterious"; PolyPhen-2: "Possibly Damaging"; Align-GVGD: "Class C0"). This variant has not been reported in the literature in individuals with CR2-related conditions. This variant is present in population databases (rs776864053, ExAC 0.01%). This sequence change replaces valine with alanine at codon 71 of the CR2 protein (p.Val71Ala). The valine residue is moderately conserved and there is a small physicochemical difference between valine and alanine.

NM_001006658.3(CR2):c.212T>C (p.Val71Ala)

Gene: CR2 (complement C3d receptor 2; plus strand). Cytogenetic location: 1q32.2.
Variant type: single nucleotide variant.
Coding change: c.212T>C on transcript NM_001006658.3 (MANE Select); coding-DNA position 212, T replaced by C.
Protein change: p.Val71Ala; replaces valine 71 with alanine.
Molecular consequence: missense variant.
Genome position (GRCh38, 1-based): chr1:207,466,679, T>C. VCF-style: chr1-207466679-T-C. GRCh37 (hg19) VCF-style: chr1-207640024-T-C.
Other names: c.212T>C, p.Val71Ala (NM_001877.5); short protein forms V71A.
Identifiers: ClinVar variation 1414236 (VCV001414236.6), dbSNP rs776864053, ClinGen allele CA1368386.